The following is an entry in ClinVar:

ClinVar aggregate classification (germline): Uncertain significance. Review status: criteria provided, multiple submitters, no conflicts (2 of 4 stars). 2 submissions from 2 submitters: Uncertain significance (2). Last evaluated 2024-12-02.

Conditions:
Bardet-Biedl syndrome 10 (BBS10). Identifiers: Orphanet 110, MedGen C1859568, MONDO:0014438, OMIM 615987.
Bardet-Biedl syndrome (BBS). Identifiers: Orphanet 110, MedGen C0752166, MONDO:0015229.

Allele frequency attached by ClinVar (database versions not stated): gnomAD exomes below 0.00001; gnomAD 0.00001.
gnomAD v4.1: 4 of 1,603,602 alleles (0.00025%); highest among the groups gnomAD compares: Admixed American, 0.0017%; no homozygotes.

Submissions (2):

Labcorp Genetics (formerly Invitae), Labcorp
Classification: Uncertain significance for Bardet-Biedl syndrome. Last evaluated: 2024-12-02. Review status: criteria provided, single submitter. Criteria: Invitae Variant Classification Sherloc (09022015). Collection method: clinical testing. Allele origin: germline.
Comment: This sequence change replaces threonine, which is neutral and polar, with alanine, which is neutral and non-polar, at codon 79 of the BBS10 protein (p.Thr79Ala). This variant is not present in population databases (gnomAD no frequency). This variant has not been reported in the literature in individuals affected with BBS10-related conditions. ClinVar contains an entry for this variant (Variation ID: 1387939). Invitae Evidence Modeling of protein sequence and biophysical properties (such as structural, functional, and spatial information, amino acid conservation, physicochemical variation, residue mobility, and thermodynamic stability) indicates that this missense variant is not expected to disrupt BBS10 protein function with a negative predictive value of 80%. In summary, the available evidence is currently insufficient to determine the role of this variant in disease. Therefore, it has been classified as a Variant of Uncertain Significance.

Laboratorio de Genetica e Diagnostico Molecular, Hospital Israelita Albert Einstein
Classification: Uncertain significance for Bardet-Biedl syndrome 10. Last evaluated: 2024-03-08. Review status: criteria provided, single submitter. Criteria: ACMG Guidelines, 2015. Collection method: clinical testing. Allele origin: germline. Affected: yes.
Comment: ACMG classification criteria: PM2 supporting, BP4 supporting

NM_024685.4(BBS10):c.235A>G (p.Thr79Ala)

Gene: BBS10 (Bardet-Biedl syndrome 10; minus strand). Cytogenetic location: 12q21.2.
Variant type: single nucleotide variant.
Coding change: c.235A>G on transcript NM_024685.4 (MANE Select); coding-DNA position 235, A replaced by G.
Protein change: p.Thr79Ala; replaces threonine 79 with alanine.
Molecular consequence: missense variant.
Genome position (GRCh38, 1-based): chr12:76,347,750, T>C on the plus strand (A>G on the coding strand, the complement: BBS10 is on the minus strand). VCF-style: chr12-76347750-T-C. GRCh37 (hg19) VCF-style: chr12-76741530-T-C.
Other names: short protein forms T79A.
Identifiers: ClinVar variation 1387939 (VCV001387939.6), dbSNP rs899733320, ClinGen allele CA239332581.